The following is an entry in ClinVar:

NM_015386.3(COG4):c.1828delG

Gene: COG4 (component of oligomeric golgi complex 4; minus strand). Cytogenetic location: 16q22.1.
Variant type: Deletion.
Coding change: c.1828delG on transcript NM_015386.3 (MANE Select); coding-DNA position 1828, one base deleted (G).
Molecular consequence: splice acceptor variant.
Genome position (GRCh38, 1-based): chr16:70,482,821, C deleted on the plus strand (G on the coding strand, the reverse complement: COG4 is on the minus strand); the first of 2 consecutive C bases (chr16:70,482,821-70,482,822); deleting either gives the same sequence. VCF-style (leftmost placement, unchanged base first): chr16-70482820-TC-T. GRCh37 (hg19) VCF-style: chr16-70516723-TC-T.
Identifiers: ClinVar variation 4689131 (VCV004689131.1).
Genomic context (GRCh38, chr16:70,482,820, plus strand): 5'-CTGTTGATCCAAGGCTGCACCTGTGGCTTGATGGCTGTGCTGTTGAGCTCCGTCAGCCCT[TC>T]CTGCACAAGGACAAGGTGGAGACATGTGACACAGAAGGCACGACTCATCCCTTCCCTCTC-3'

ClinVar aggregate classification (germline): Pathogenic (1 of 4 stars; one submission).

Conditions:
COG4-Related Disorders.

Submission:

Women's Health and Genetics/Laboratory Corporation of America, LabCorp
Classification: Pathogenic for COG4-Related Disorders. Last evaluated: 2026-01-28. Review status: criteria provided, single submitter. Criteria: LabCorp Variant Classification Summary - May 2015. Collection method: clinical testing. Allele origin: germline.
Comment: Variant summary: COG4 c.1828delG (p.Glu610LysfsX3) results in a premature termination codon, predicted to cause a truncation of the encoded protein or absence of the protein due to nonsense mediated decay, which are commonly known mechanisms for disease. The variant was absent in 251106 control chromosomes. To our knowledge, no occurrence of c.1828delG in individuals affected with COG4-related conditions and no experimental evidence demonstrating its impact on protein function have been reported. No submitters have cited clinical-significance assessments for this variant to ClinVar. Based on the evidence outlined above, the variant was classified as pathogenic.